The following is an entry in ClinVar:

ClinVar aggregate classification (germline): Benign (1 of 4 stars; one submission).

Conditions:
Monilethrix. Also called: Beaded hair. Identifiers: Orphanet 573, MedGen C0546966, MONDO:0008009, HP:0032470.

Allele frequency attached by ClinVar (database versions not stated): gnomAD 0.00013 and 0.00014; ExAC 0.00015; TOPMed 0.00018.
gnomAD v4.1: 176 of 1,612,156 alleles (0.011%); highest among the groups gnomAD compares: Admixed American, 0.017%; no homozygotes.

Submission:

Illumina Laboratory Services, Illumina
Classification: Benign for MONILETHRIX 1. Last evaluated: 2018-12-24. Review status: criteria provided, single submitter. Criteria: ICSL Variant Classification Criteria 13 December 2019. Collection method: clinical testing. Allele origin: germline.
Comment: This variant was observed in the ICSL laboratory as part of a predisposition screen in an ostensibly healthy population. It had not been previously curated by ICSL or reported in the Human Gene Mutation Database (HGMD: prior to June 1st, 2018), and was therefore a candidate for classification through an automated scoring system. Utilizing variant allele frequency, disease prevalence and penetrance estimates, and inheritance mode, an automated score was calculated to assess if this variant is too frequent to cause the disease. Based on the score and internal cut-off values, a variant classified as benign is not then subjected to further curation. The score for this variant resulted in a classification of benign for this disease.

NM_002282.3(KRT83):c.192C>A (p.Cys64Ter)

Gene: KRT83 (keratin 83; minus strand). Cytogenetic location: 12q13.13.
Variant type: single nucleotide variant.
Coding change: c.192C>A on transcript NM_002282.3 (MANE Select); coding-DNA position 192, C replaced by A.
Protein change: p.Cys64Ter; replaces cysteine 64 with a stop codon.
Molecular consequence: nonsense.
Genome position (GRCh38, 1-based): chr12:52,321,144, G>T on the plus strand (C>A on the coding strand, the complement: KRT83 is on the minus strand). VCF-style: chr12-52321144-G-T. GRCh37 (hg19) VCF-style: chr12-52714928-G-T.
Other names: short protein forms C64*.
Identifiers: ClinVar variation 884068 (VCV000884068.4), dbSNP rs199997738, ClinGen allele CA6577783.